The following is an entry in ClinVar:

ClinVar aggregate classification (germline): Uncertain significance (1 of 4 stars; one submission).

gnomAD v4.1: 1 of 1,614,138 alleles (0.000062%); highest among the groups gnomAD compares: East Asian, 0.0022%; no homozygotes.

Submission:

Labcorp Genetics (formerly Invitae), Labcorp
Classification: Uncertain significance. Last evaluated: 2024-08-06. Review status: criteria provided, single submitter. Criteria: Invitae Variant Classification Sherloc (09022015). Collection method: clinical testing. Allele origin: germline.
Comment: This sequence change replaces isoleucine, which is neutral and non-polar, with valine, which is neutral and non-polar, at codon 129 of the SLC1A2 protein (p.Ile129Val). This variant is not present in population databases (gnomAD no frequency). This variant has not been reported in the literature in individuals affected with SLC1A2-related conditions. Advanced modeling of protein sequence and biophysical properties (such as structural, functional, and spatial information, amino acid conservation, physicochemical variation, residue mobility, and thermodynamic stability) performed at Invitae indicates that this missense variant is not expected to disrupt SLC1A2 protein function with a negative predictive value of 80%. In summary, the available evidence is currently insufficient to determine the role of this variant in disease. Therefore, it has been classified as a Variant of Uncertain Significance.

NM_004171.4(SLC1A2):c.385A>G (p.Ile129Val)

Gene: SLC1A2 (solute carrier family 1 member 2; minus strand). Cytogenetic location: 11p13.
Variant type: single nucleotide variant.
Coding change: c.385A>G on transcript NM_004171.4 (MANE Select); coding-DNA position 385, A replaced by G.
Protein change: p.Ile129Val; replaces isoleucine 129 with valine.
Molecular consequence: missense variant.
Genome position (GRCh38, 1-based): chr11:35,312,374, T>C on the plus strand (A>G on the coding strand, the complement: SLC1A2 is on the minus strand). VCF-style: chr11-35312374-T-C. GRCh37 (hg19) VCF-style: chr11-35333921-T-C.
Other names: c.358A>G, p.Ile120Val (NM_001195728.3, NM_001252652.2); short protein forms I129V, I120V.
Identifiers: ClinVar variation 3671360 (VCV003671360.2).